The following is an entry in ClinVar:

NM_007194.4(CHEK2):c.473C>T (p.Ala158Val)

Gene: CHEK2 (checkpoint kinase 2; minus strand). Cytogenetic location: 22q12.1.
Variant type: single nucleotide variant.
Coding change: c.473C>T on transcript NM_007194.4 (MANE Select); coding-DNA position 473, C replaced by T.
Protein change: p.Ala158Val; replaces alanine 158 with valine.
Molecular consequence: missense variant. On other transcripts: 5 prime UTR variant (2), intron variant (1).
Genome position (GRCh38, 1-based): chr22:28,725,096, G>A on the plus strand (C>T on the coding strand, the complement: CHEK2 is on the minus strand). VCF-style: chr22-28725096-G-A. GRCh37 (hg19) VCF-style: chr22-29121084-G-A.
Other names: c.602C>T, p.Ala201Val (NM_001005735.3, NM_001438294.1); c.-305C>T (NM_001257387.3); c.-191C>T (NM_001437942.1); c.566C>T, p.Ala189Val (NM_001438293.1, NM_001438295.1); c.473C>T, p.Ala158Val (NM_145862.3); c.444+147C>T (NM_001349956.3); short protein forms A158V, A201V, A189V.
Identifiers: ClinVar variation 220029 (VCV000220029.14), dbSNP rs864622351, ClinGen allele CA348040.

ClinVar aggregate classification (germline): Uncertain significance. Review status: criteria provided, multiple submitters, no conflicts (2 of 4 stars). 3 submissions from 3 submitters: Uncertain significance (3). Last evaluated 2025-10-02.

Conditions:
Hereditary cancer-predisposing syndrome. Also called: Hereditary neoplastic syndrome; Tumor predisposition; Hereditary Cancer Syndrome; Neoplastic Syndromes, Hereditary. Identifiers: Orphanet 140162, MedGen C0027672, MeSH D009386, MONDO:0015356.
Familial cancer of breast. Also called: hereditary breast carcinoma; Hereditary breast cancer; BREAST CANCER, FAMILIAL. Identifiers: Orphanet 227535, MedGen C0346153, MONDO:0016419, OMIM 114480. Disease mechanism: loss of function.

Submissions (3):

Labcorp Genetics (formerly Invitae), Labcorp
Classification: Uncertain significance for Familial cancer of breast. Last evaluated: 2025-10-02. Review status: criteria provided, single submitter. Criteria: Invitae Variant Classification Sherloc (09022015). Collection method: clinical testing. Allele origin: germline.
Comment: This sequence change replaces alanine, which is neutral and non-polar, with valine, which is neutral and non-polar, at codon 158 of the CHEK2 protein (p.Ala158Val). This variant is not present in population databases (gnomAD no frequency). This variant has not been reported in the literature in individuals affected with CHEK2-related conditions. ClinVar contains an entry for this variant (Variation ID: 220029). An algorithm developed to predict the effect of missense changes on protein structure and function outputs the following: PolyPhen-2: "Benign". The valine amino acid residue is found in multiple mammalian species, which suggests that this missense change does not adversely affect protein function. In summary, the available evidence is currently insufficient to determine the role of this variant in disease. Therefore, it has been classified as a Variant of Uncertain Significance.

Ambry Genetics
Classification: Uncertain significance for Hereditary cancer-predisposing syndrome. Last evaluated: 2025-05-29. Review status: criteria provided, single submitter. Criteria: Ambry Variant Classification Scheme 2023. Collection method: clinical testing. Allele origin: germline.
Comment: The p.A158V variant (also known as c.473C>T), located in coding exon 3 of the CHEK2 gene, results from a C to T substitution at nucleotide position 473. The alanine at codon 158 is replaced by valine, an amino acid with similar properties. This amino acid position is conserved. In addition, the in silico prediction for this alteration is inconclusive. Since supporting evidence is limited at this time, the clinical significance of this alteration remains unclear.

Baylor Genetics
Classification: Uncertain significance for Familial cancer of breast. Last evaluated: 2023-09-28. Review status: criteria provided, single submitter. Criteria: ACMG Guidelines, 2015. Collection method: clinical testing. Allele origin: unknown.